The following is an entry in ClinVar:

NM_015978.3(TNNI3K):c.1886G>A (p.Arg629His)

Genes: FPGT-TNNI3K (FPGT-TNNI3K readthrough; plus strand), TNNI3K (TNNI3 interacting kinase; plus strand). Cytogenetic location: 1p31.1.
Variant type: single nucleotide variant.
Coding change: c.1886G>A on transcript NM_015978.3 (MANE Select); coding-DNA position 1886, G replaced by A.
Protein change: p.Arg629His; replaces arginine 629 with histidine.
Molecular consequence: missense variant.
Genome position (GRCh38, 1-based): chr1:74,439,497, G>A. VCF-style: chr1-74439497-G-A. GRCh37 (hg19) VCF-style: chr1-74905181-G-A.
Other names: c.2189G>A, p.Arg730His (NM_001112808.3, NM_001199327.2); c.1886G>A (NM_015978.2); short protein forms R629H, R730H.
Identifiers: ClinVar variation 2142239 (VCV002142239.6), dbSNP rs201581931, ClinGen allele CA909504.

ClinVar aggregate classification (germline): Conflicting classifications of pathogenicity. Review status: criteria provided, conflicting classifications (1 of 4 stars). 3 submissions from 3 submitters: Uncertain significance (2); Likely benign (1). Last evaluated 2025-08-13.

Conditions:
Inborn genetic diseases. Identifiers: MedGen C0950123, MeSH D030342.

Allele frequency attached by ClinVar (database versions not stated): ExAC 0.00002; gnomAD exomes 0.00002; TOPMed 0.00002; gnomAD 0.00006; 1000 Genomes Project 30x 0.00016; 1000 Genomes Project 0.00020.
gnomAD v4.1: 36 of 1,612,256 alleles (0.0022%); highest among the groups gnomAD compares: Admixed American, 0.032%; no homozygotes.

Submissions (3):

Labcorp Genetics (formerly Invitae), Labcorp
Classification: Uncertain significance. Last evaluated: 2025-08-13. Review status: criteria provided, single submitter. Criteria: Invitae Variant Classification Sherloc (09022015). Collection method: clinical testing. Allele origin: germline.
Comment: This sequence change replaces arginine, which is basic and polar, with histidine, which is basic and polar, at codon 629 of the TNNI3K protein (p.Arg629His). This variant is present in population databases (rs201581931, gnomAD 0.009%). This variant has not been reported in the literature in individuals affected with TNNI3K-related conditions. ClinVar contains an entry for this variant (Variation ID: 2142239). An algorithm developed to predict the effect of missense changes on protein structure and function outputs the following: PolyPhen-2: "Probably Damaging". The histidine amino acid residue is found in multiple mammalian species, which suggests that this missense change does not adversely affect protein function. In summary, the available evidence is currently insufficient to determine the role of this variant in disease. Therefore, it has been classified as a Variant of Uncertain Significance.

Ambry Genetics
Classification: Uncertain significance for Inborn genetic diseases. Last evaluated: 2024-10-24. Review status: criteria provided, single submitter. Criteria: Ambry Variant Classification Scheme 2023. Collection method: clinical testing. Allele origin: germline.

Blueprint Genetics
Classification: Likely benign. Last evaluated: 2020-05-11. Review status: criteria provided, single submitter. Criteria: ACMG Guidelines, 2015. Collection method: clinical testing. Allele origin: germline.